The following is an entry in ClinVar:

NM_006015.6(ARID1A):c.3198+10C>T

Gene: ARID1A (AT-rich interaction domain 1A; plus strand). Cytogenetic location: 1p36.11.
Variant type: single nucleotide variant.
Coding change: c.3198+10C>T on transcript NM_006015.6 (MANE Select); 10 bases into the intron after coding-DNA position 3198, C replaced by T.
Molecular consequence: intron variant.
Genome position (GRCh38, 1-based): chr1:26,768,009, C>T. VCF-style: chr1-26768009-C-T. GRCh37 (hg19) VCF-style: chr1-27094500-C-T.
Other names: c.3198+10C>T (NM_139135.4, NM_006015.4).
Identifiers: ClinVar variation 1254670 (VCV001254670.12), dbSNP rs376389652, ClinGen allele CA707158.

ClinVar aggregate classification (germline): Likely benign. Review status: criteria provided, multiple submitters, no conflicts (2 of 4 stars). 3 submissions from 3 submitters: Likely benign (3). Last evaluated 2025-10-30.

Conditions:
ARID1A-related disorder. Also called: ARID1A-related condition.

Allele frequency attached by ClinVar (database versions not stated): ESP Exome Variant Server 0.00015.
gnomAD v4.1: 176 of 1,612,558 alleles (0.011%); highest among the groups gnomAD compares: African/African-American, 0.028%; no homozygotes.

Submissions (3):

PreventionGenetics, part of Exact Sciences
Classification: Likely benign for ARID1A-related condition. Last evaluated: 2025-10-30. Review status: criteria provided, single submitter. Criteria: ACMG Guidelines, 2015. Collection method: clinical testing. Allele origin: germline.
Comment: This variant is classified as likely benign based on ACMG/AMP sequence variant interpretation guidelines (Richards et al. 2015 PMID: 25741868, with internal and published modifications).

Labcorp Genetics (formerly Invitae), Labcorp
Classification: Likely benign. Last evaluated: 2025-09-06. Review status: criteria provided, single submitter. Criteria: Invitae Variant Classification Sherloc (09022015). Collection method: clinical testing. Allele origin: germline.

GeneDx
Classification: Likely benign. Last evaluated: 2021-03-04. Review status: criteria provided, single submitter. Criteria: GeneDx Variant Classification Process June 2021. Collection method: clinical testing. Allele origin: germline. Affected: yes.